The following is an entry in ClinVar:

ClinVar aggregate classification (germline): Conflicting classifications of pathogenicity. Review status: criteria provided, conflicting classifications (1 of 4 stars). 8 submissions from 8 submitters: Uncertain significance (6); Likely benign (1). 1 of the submissions does not count toward it. Last evaluated 2025-12-15.

Conditions:
TERT-related disorder. Also called: TERT-related condition; TERT-related disorders.
Idiopathic Pulmonary Fibrosis. Also called: Idiopathic fibrosing alveolitis, chronic form; idiopathic fibrosing alveolitis. Identifiers: Orphanet 2032, MedGen C1800706, MeSH D054990, MONDO:0800504.
Dyskeratosis congenita, autosomal dominant 2. Identifiers: MedGen C3151443, MONDO:0013521, OMIM 613989.
Pulmonary fibrosis and/or bone marrow failure, Telomere-related, 1. Also called: PULMONARY FIBROSIS AND/OR BONE MARROW FAILURE SYNDROME, TELOMERE-RELATED, 1. Identifiers: Orphanet 88, MedGen C3553617, MONDO:0013878, OMIM 614742.
Intellectual disability. Also called: Intellectual developmental disorder; Intellectual functioning disability; intellectual disabilities. Identifiers: MedGen C3714756, MeSH D008607, MONDO:0001071, HP:0001249.
Dyskeratosis congenita. Identifiers: Orphanet 1775, MedGen C0265965, MONDO:0015780.

Allele frequency attached by ClinVar (database versions not stated): gnomAD exomes 0.00017 and 0.00009; ESP Exome Variant Server 0.00024; TOPMed 0.00013; gnomAD 0.00016 and 0.00017; ExAC 0.00017; 1000 Genomes Project 30x 0.00031.

Submissions (8):

Labcorp Genetics (formerly Invitae), Labcorp
Classification: Likely benign for Dyskeratosis congenita, autosomal dominant 2; Idiopathic Pulmonary Fibrosis. Last evaluated: 2025-12-15. Review status: criteria provided, single submitter. Criteria: Invitae Variant Classification Sherloc (09022015). Collection method: clinical testing. Allele origin: germline.

St. Jude Molecular Pathology, St. Jude Children's Research Hospital
Classification: Uncertain significance for Dyskeratosis congenita, autosomal dominant 2. Last evaluated: 2024-08-24. Review status: criteria provided, single submitter. Criteria: St. Jude Assertion Criteria 2020. Collection method: clinical testing. Allele origin: germline.
Comment: The TERT c.2371G>A (p.Val791Ile) missense change has a maximum subpopulation frequency of 0.016% in gnomAD v2.1.1. The in silico tool REVEL predicts a benign effect on protein function and functional studies suggest that this variant alone does not affect TERT function (PMID: 21483807). This variant occurs in a gene where missense variants are more likely to be damaging based on methods described by Lek et al. (PMID: 27535533). This variant has been reported in an individual with aplastic anemia (PMID: 26136524). In summary, the evidence currently available is insufficient to determine the clinical significance of this variant. It has therefore been classified as of uncertain significance.

Ambry Genetics
Classification: Uncertain significance for Dyskeratosis congenita. Last evaluated: 2024-08-23. Review status: criteria provided, single submitter. Criteria: Ambry Variant Classification Scheme 2023. Collection method: clinical testing. Allele origin: germline.
Comment: The p.V791I variant (also known as c.2371G>A), located in coding exon 7 of the TERT gene, results from a G to A substitution at nucleotide position 2371. The valine at codon 791 is replaced by isoleucine, an amino acid with highly similar properties. This variant was reported in multiple individuals with features consistent with TERT-related disorder (Ghemlas I et al. J Med Genet, 2015 Sep;52:575-84; Gurnari C et al. Hematol Oncol, 2022 Oct;40:812-817). The variant occurred in cis with p.V867M, and the complex allele segregated with pulmonary fibrosis in two families (Alder JK et al. PLoS Genet, 2011 Mar;7:e1001352). This amino acid position is well conserved in available vertebrate species. In addition, this alteration is predicted to be tolerated by in silico analysis. Based on the available evidence, the clinical significance of this variant remains unclear.

Genomic Medicine Center of Excellence, King Faisal Specialist Hospital and Research Centre
Classification: Uncertain significance for Pulmonary fibrosis and/or bone marrow failure, Telomere-related, 1. Last evaluated: 2024-04-04. Review status: criteria provided, single submitter. Criteria: ACMG Guidelines, 2015. Collection method: clinical testing. Allele origin: germline.

Baylor Genetics
Classification: Uncertain significance for Dyskeratosis congenita, autosomal dominant 2. Last evaluated: 2024-03-29. Review status: criteria provided, single submitter. Criteria: ACMG Guidelines, 2015. Collection method: clinical testing. Allele origin: unknown.

GeneDx
Classification: Uncertain significance. Last evaluated: 2020-11-25. Review status: criteria provided, single submitter. Criteria: GeneDx Variant Classification Process June 2021. Collection method: clinical testing. Allele origin: germline. Affected: yes.
Comment: Published functional studies demonstrate no damaging effect: TERT protein activity similar to wild type when studied independently (Alder 2011); Observed in individuals with aplastic anemia (Ghemlas 2015); In silico analysis, which includes protein predictors and evolutionary conservation, supports that this variant does not alter protein structure/function This variant is associated with the following publications: (PMID: 31871297, 26136524, 23538340, 24798238, 21483807, 26851889, 22900168)

Cambridge Genomics Laboratory, East Genomic Laboratory Hub, NHS Genomic Medicine Service
Classification: Uncertain significance for Intellectual disability. Last evaluated: 2020-07-13. Review status: criteria provided, single submitter. Criteria: ACGS Best Practice Guidelines for Variant Classification in Rare Disease 2020. Collection method: clinical testing. Allele origin: germline. Affected: yes. Observed: 1 variant allele.

PreventionGenetics, part of Exact Sciences
Classification: Uncertain significance for TERT-related condition. Last evaluated: 2024-09-25. Review status: no assertion criteria provided. Collection method: clinical testing. Allele origin: germline. Not counted in ClinVar's aggregate classification.
Comment: The TERT c.2371G>A variant is predicted to result in the amino acid substitution p.Val791Ile. This variant has been reported along with a second TERT variant (p.Val867Met) in a family with familial pulmonary fibrosis (Alder et al. 2011. PubMed ID: 21483807). These two variants were found on the same allele (in cis) and segregated with the disease across four generations in this family. In vitro functional studies indicate that these two variants together cause defects in repeat addition processivity. However, the p.Val791Ile alone did not have obvious defects in activity or processivity (Alder et al. 2011. PubMed ID: 21483807). This variant has also been reported in the heterozygous state in an individual with dyskeratosis congenita with severe aplastic anemia, but no additional studies were performed (Supplemental Table 4, Ghemlas et al. 2015. PubMed ID: 26136524) and was identified in an individual with pancreatic cancer and a family history of endometrial, osteosarcoma, and thyroid cancer (Goldstein et al. 2019. PubMed ID: 31871297). This variant is reported in 0.017% of alleles in individuals of European (Non-Finnish) descent in gnomAD and has conflicting interpretations regarding its pathogenicity in ClinVar ranging from uncertain to likely benign. At this time, the clinical significance of this variant is uncertain due to the absence of conclusive functional and genetic evidence.

Literature cited by the submitters: PubMed 21483807 (cited by Ambry Genetics); PubMed 26136524 (cited by Ambry Genetics); PubMed 35106810 (cited by Ambry Genetics).

NM_198253.3(TERT):c.2371G>A (p.Val791Ile)

Gene: TERT (telomerase reverse transcriptase; minus strand). Cytogenetic location: 5p15.33.
Variant type: single nucleotide variant.
Coding change: c.2371G>A on transcript NM_198253.3 (MANE Select); coding-DNA position 2371, G replaced by A.
Protein change: p.Val791Ile; replaces valine 791 with isoleucine.
Molecular consequence: missense variant.
Genome position (GRCh38, 1-based): chr5:1,272,196, C>T on the plus strand (G>A on the coding strand, the complement: TERT is on the minus strand). VCF-style: chr5-1272196-C-T. GRCh37 (hg19) VCF-style: chr5-1272311-C-T.
Other names: c.2371G>A, p.Val791Ile (NM_001193376.3); short protein forms V791I.
Identifiers: ClinVar variation 242228 (VCV000242228.19), dbSNP rs141425941, ClinGen allele CA044696.
Genomic context (GRCh38, chr5:1,272,196, plus strand): 5'-GACCCACTGCTGGGAGTCCGTGCCCAACCCTGCAGGGCAGTGCCCAGACCTGCTCGATGA[C>T]GACGGCATCCCTCAGCGGGCTGGTCTCCTGCAGGTGAGCCACGAACTGTCGCATGTACGG-3'
Protein context (NP_937983.2, residues 781-801): QETSPLRDAV[Val791Ile]IEQSSSLNEA